The following is an entry in ClinVar:

NM_000751.3(CHRND):c.628G>T (p.Glu210Ter)

Gene: CHRND (cholinergic receptor nicotinic delta subunit; plus strand). Cytogenetic location: 2q37.1.
Variant type: single nucleotide variant.
Coding change: c.628G>T on transcript NM_000751.3 (MANE Select); coding-DNA position 628, G replaced by T.
Protein change: p.Glu210Ter; replaces glutamic acid 210 with a stop codon.
Molecular consequence: nonsense. On other transcripts: intron variant (1).
Genome position (GRCh38, 1-based): chr2:232,529,947, G>T. VCF-style: chr2-232529947-G-T. GRCh37 (hg19) VCF-style: chr2-233394657-G-T.
Other names: c.583G>T, p.Glu195Ter (NM_001256657.2); c.325G>T, p.Glu109Ter (NM_001311196.2); c.238+1291G>T (NM_001311195.2); c.628G>T (NM_000751.2); short protein forms E109*, E195*, E210*.
Identifiers: ClinVar variation 2144350 (VCV002144350.5), dbSNP rs1417363003, ClinGen allele CA351000551.

ClinVar aggregate classification (germline): Pathogenic/Likely pathogenic. Review status: criteria provided, multiple submitters, no conflicts (2 of 4 stars). 2 submissions from 2 submitters: Pathogenic (1); Likely pathogenic (1). Last evaluated 2025-08-26.

Conditions:
CHRND-related disorder. Also called: CHRND-related condition; CHRND-Related Disorders.
Lethal multiple pterygium syndrome (LMPS). Identifiers: Orphanet 33108, MedGen C1854678, MONDO:0009668, OMIM 253290.

Allele frequency attached by ClinVar (database versions not stated): gnomAD 0.00001; gnomAD exomes 0.00002; TOPMed 0.00002.
gnomAD v4.1: 31 of 1,613,886 alleles (0.0019%); highest among the groups gnomAD compares: Non-Finnish European, 0.0024%; no homozygotes.

Submissions (2):

Labcorp Genetics (formerly Invitae), Labcorp
Classification: Pathogenic for Lethal multiple pterygium syndrome. Last evaluated: 2025-08-26. Review status: criteria provided, single submitter. Criteria: Invitae Variant Classification Sherloc (09022015). Collection method: clinical testing. Allele origin: germline.
Comment: This sequence change creates a premature translational stop signal (p.Glu210*) in the CHRND gene. It is expected to result in an absent or disrupted protein product. Loss-of-function variants in CHRND are known to be pathogenic (PMID: 11435464, 25264167). This variant is present in population databases (no rsID available, gnomAD 0.002%). This variant has not been reported in the literature in individuals affected with CHRND-related conditions. ClinVar contains an entry for this variant (Variation ID: 2144350). For these reasons, this variant has been classified as Pathogenic.

PreventionGenetics, part of Exact Sciences
Classification: Likely pathogenic for CHRND-related condition. Last evaluated: 2025-04-09. Review status: criteria provided, single submitter. Criteria: ACMG Guidelines, 2015. Collection method: clinical testing. Allele origin: germline.
Comment: The CHRND c.628G>T variant is predicted to result in premature protein termination (p.Glu210*). To our knowledge, this variant has not been reported in the literature. This variant is reported in 0.0016% of alleles in individuals of European (Non-Finnish) descent in gnomAD. Nonsense variants in CHRND are expected to be pathogenic. This variant is interpreted as likely pathogenic.

Literature cited by the submitters: PubMed 11435464 (cited by Labcorp Genetics (formerly Invitae), Labcorp); PubMed 25264167 (cited by Labcorp Genetics (formerly Invitae), Labcorp).